The following is an entry in ClinVar:

ClinVar aggregate classification (germline): Conflicting classifications of pathogenicity. Review status: criteria provided, conflicting classifications (1 of 4 stars). 9 submissions from 9 submitters: Uncertain significance (3); Benign (2); Likely benign (4). Last evaluated 2026-01-18.

Conditions:
Inborn genetic diseases. Identifiers: MedGen C0950123, MeSH D030342.
Fibrous dysplasia of jaw (CRBM). Also called: Cherubism. Identifiers: Orphanet 184, MedGen C0008029, MONDO:0007315, OMIM 118400.

Allele frequency attached by ClinVar (database versions not stated): gnomAD exomes 0.00092 and 0.00154; TOPMed 0.00101; ExAC 0.00108; gnomAD 0.00115 and 0.00123; ESP Exome Variant Server 0.00123.

Submissions (9):

Labcorp Genetics (formerly Invitae), Labcorp
Classification: Likely benign for Fibrous dysplasia of jaw. Last evaluated: 2026-01-18. Review status: criteria provided, single submitter. Criteria: Invitae Variant Classification Sherloc (09022015). Collection method: clinical testing. Allele origin: germline.

Mayo Clinic Laboratories, Mayo Clinic
Classification: Likely benign. Last evaluated: 2025-09-23. Review status: criteria provided, single submitter. Criteria: ACMG Guidelines, 2015. Collection method: clinical testing. Allele origin: germline. Observed: 2 variant alleles.
Comment: BS1, BP4

Women's Health and Genetics/Laboratory Corporation of America, LabCorp
Classification: Likely benign. Last evaluated: 2025-06-16. Review status: criteria provided, single submitter. Criteria: LabCorp Variant Classification Summary - May 2015. Collection method: clinical testing. Allele origin: germline.

Blueprint Genetics
Classification: Likely benign. Last evaluated: 2024-09-03. Review status: criteria provided, single submitter. Criteria: ACMG Guidelines, 2015. Collection method: clinical testing. Allele origin: germline.

GeneDx
Classification: Uncertain significance. Last evaluated: 2022-12-27. Review status: criteria provided, single submitter. Criteria: GeneDx Variant Classification Process June 2021. Collection method: clinical testing. Allele origin: germline. Affected: yes.
Comment: In silico analysis supports that this missense variant does not alter protein structure/function; Has not been previously published as pathogenic or benign to our knowledge

CeGaT Center for Human Genetics Tuebingen
Classification: Benign. Last evaluated: 2022-08-01. Review status: criteria provided, single submitter. Criteria: CeGaT Center For Human Genetics Tuebingen Variant Classification Criteria Version 2. Collection method: clinical testing. Allele origin: germline. Affected: yes. Observed: 1 variant allele.
Comment: SH3BP2: BS1, BS2

Ambry Genetics
Classification: Uncertain significance for Inborn genetic diseases. Last evaluated: 2021-08-16. Review status: criteria provided, single submitter. Criteria: Ambry Variant Classification Scheme 2023. Collection method: clinical testing. Allele origin: germline.

Center for Genomics, Ann and Robert H. Lurie Children's Hospital of Chicago
Classification: Uncertain significance for Fibrous dysplasia of jaw. Last evaluated: 2021-03-30. Review status: criteria provided, single submitter. Criteria: ACMG Guidelines, 2015. Collection method: clinical testing. Allele origin: germline.
Comment: SH3BP2 NM_003023.4 exon 8 p.Gly313Arg (c.937G>A): This variant has not been reported in the literature but is present in 0.1% (204/126524) of European alleles in the Genome Aggregation Database. This variant is present in ClinVar (Variation ID:348582) Evolutionary conservation and computational predictive tools for this variant are unclear. In summary, data on this variant is insufficient for disease classification. Therefore, the clinical significance of this variant is uncertain.

Illumina Laboratory Services, Illumina
Classification: Benign for Fibrous dysplasia of jaw. Last evaluated: 2018-01-13. Review status: criteria provided, single submitter. Criteria: ICSL Variant Classification Criteria 13 December 2019. Collection method: clinical testing. Allele origin: germline.
Comment: This variant was observed in the ICSL laboratory as part of a predisposition screen in an ostensibly healthy population. It had not been previously curated by ICSL or reported in the Human Gene Mutation Database (HGMD: prior to June 1st, 2018), and was therefore a candidate for classification through an automated scoring system. Utilizing variant allele frequency, disease prevalence and penetrance estimates, and inheritance mode, an automated score was calculated to assess if this variant is too frequent to cause the disease. Based on the score and internal cut-off values, a variant classified as benign is not then subjected to further curation. The score for this variant resulted in a classification of benign for this disease.

NM_001122681.2(SH3BP2):c.937G>A (p.Gly313Arg)

Gene: SH3BP2 (SH3 domain binding protein 2; plus strand). Cytogenetic location: 4p16.3.
Variant type: single nucleotide variant.
Coding change: c.937G>A on transcript NM_001122681.2 (MANE Select); coding-DNA position 937, G replaced by A.
Protein change: p.Gly313Arg; replaces glycine 313 with arginine.
Molecular consequence: missense variant.
Genome position (GRCh38, 1-based): chr4:2,829,843, G>A. VCF-style: chr4-2829843-G-A. GRCh37 (hg19) VCF-style: chr4-2831570-G-A.
Other names: p.Gly313Arg; c.1021G>A, p.Gly341Arg (NM_001145855.2, LRG_1334t2); c.1108G>A, p.Gly370Arg (NM_001145856.2); c.937G>A, p.Gly313Arg (NM_003023.4, LRG_1334t1); short protein forms G313R, G341R, G370R.
Identifiers: ClinVar variation 348582 (VCV000348582.47), dbSNP rs141518457, ClinGen allele CA2819361.